The following is an entry in ClinVar:

NM_018060.4(IARS2):c.128G>T (p.Arg43Leu)

Genes: IARS2 (isoleucyl-tRNA synthetase 2, mitochondrial; plus strand), LOC129932529 (ATAC-STARR-seq lymphoblastoid silent region 1823; plus strand). Cytogenetic location: 1q41.
Variant type: single nucleotide variant.
Coding change: c.128G>T on transcript NM_018060.4 (MANE Select); coding-DNA position 128, G replaced by T.
Protein change: p.Arg43Leu; replaces arginine 43 with leucine.
Molecular consequence: missense variant.
Genome position (GRCh38, 1-based): chr1:220,094,344, G>T. VCF-style: chr1-220094344-G-T. GRCh37 (hg19) VCF-style: chr1-220267686-G-T.
Other names: p.Arg43Leu; short protein forms R43L.
Identifiers: ClinVar variation 4542224 (VCV004542224.1).

ClinVar aggregate classification (germline): Uncertain significance (1 of 4 stars; one submission).

gnomAD v4.1: 2 of 1,613,112 alleles (0.00012%); highest among the groups gnomAD compares: South Asian, 0.0011%; no homozygotes.

Submission:

Mayo Clinic Laboratories, Mayo Clinic
Classification: Uncertain significance. Last evaluated: 2025-10-10. Review status: criteria provided, single submitter. Criteria: ACMG Guidelines, 2015. Collection method: clinical testing. Allele origin: germline. Observed: 1 variant allele.
Comment: BP4_moderate, PM2_supporting